The following is an entry in ClinVar:

ClinVar aggregate classification (germline): Uncertain significance. Review status: criteria provided, multiple submitters, no conflicts (2 of 4 stars). 2 submissions from 2 submitters: Uncertain significance (2). Last evaluated 2023-04-27.

Conditions:
Hereditary cancer-predisposing syndrome. Also called: Hereditary Cancer Syndrome; Tumor predisposition; Neoplastic Syndromes, Hereditary; Hereditary neoplastic syndrome. Identifiers: Orphanet 140162, MedGen C0027672, MeSH D009386, MONDO:0015356.
Gastrointestinal stromal tumor. Also called: Gastrointestinal stromal tumor, somatic; Gastrointestinal stroma tumor. Identifiers: Orphanet 44890, MedGen C0238198, MeSH D046152, MONDO:0011719, OMIM 606764, HP:0100723.

Allele frequency attached by ClinVar (database versions not stated): gnomAD exomes below 0.00001.
gnomAD v4.1: 3 of 1,609,818 alleles (0.00019%); highest among the groups gnomAD compares: South Asian, 0.0033%; no homozygotes.

Submissions (2):

Labcorp Genetics (formerly Invitae), Labcorp
Classification: Uncertain significance for Gastrointestinal stromal tumor. Last evaluated: 2023-04-27. Review status: criteria provided, single submitter. Criteria: Invitae Variant Classification Sherloc (09022015). Collection method: clinical testing. Allele origin: germline.
Comment: This sequence change replaces leucine, which is neutral and non-polar, with valine, which is neutral and non-polar, at codon 377 of the KIT protein (p.Leu377Val). This variant is present in population databases (no rsID available, gnomAD 0.003%). This variant has not been reported in the literature in individuals affected with KIT-related conditions. ClinVar contains an entry for this variant (Variation ID: 642684). An algorithm developed to predict the effect of missense changes on protein structure and function (PolyPhen-2) suggests that this variant is likely to be disruptive. In summary, the available evidence is currently insufficient to determine the role of this variant in disease. Therefore, it has been classified as a Variant of Uncertain Significance.

Ambry Genetics
Classification: Uncertain significance for Hereditary cancer-predisposing syndrome. Last evaluated: 2023-02-20. Review status: criteria provided, single submitter. Criteria: Ambry Variant Classification Scheme 2023. Collection method: clinical testing. Allele origin: germline.
Comment: The p.L377V variant (also known as c.1129C>G), located in coding exon 7 of the KIT gene, results from a C to G substitution at nucleotide position 1129. The leucine at codon 377 is replaced by valine, an amino acid with highly similar properties. This amino acid position is conserved. In addition, the in silico prediction for this alteration is inconclusive. Since supporting evidence is limited at this time, the clinical significance of this alteration remains unclear.

NM_000222.3(KIT):c.1129C>G (p.Leu377Val)

Gene: KIT (KIT proto-oncogene, receptor tyrosine kinase; plus strand). Cytogenetic location: 4q12.
Variant type: single nucleotide variant.
Coding change: c.1129C>G on transcript NM_000222.3 (MANE Select); coding-DNA position 1129, C replaced by G.
Protein change: p.Leu377Val; replaces leucine 377 with valine.
Molecular consequence: missense variant.
Genome position (GRCh38, 1-based): chr4:54,709,437, C>G. VCF-style: chr4-54709437-C-G. GRCh37 (hg19) VCF-style: chr4-55575603-C-G.
Other names: c.1129C>G, p.Leu377Val (NM_001093772.2, NM_001385285.1, NM_001385286.1); c.1132C>G, p.Leu378Val (NM_001385284.1, NM_001385288.1, NM_001385290.1 and 1 more transcripts); short protein forms L377V, L378V.
Identifiers: ClinVar variation 642684 (VCV000642684.9), dbSNP rs1459672424, ClinGen allele CA356902057.